The following is an entry in ClinVar:

ClinVar aggregate classification (germline): Likely pathogenic (1 of 4 stars; one submission).

Conditions:
Autosomal recessive limb-girdle muscular dystrophy type 2J (LGMDR10). Also called: Limb-girdle muscular dystrophy, type 2J; MUSCULAR DYSTROPHY, LIMB-GIRDLE, AUTOSOMAL RECESSIVE 10. Identifiers: Orphanet 140922, MedGen C1837342, MONDO:0012127, OMIM 608807.
Early-onset myopathy with fatal cardiomyopathy (CMYO5). Also called: Salih Myopathy; CONGENITAL MYOPATHY 5 WITH CARDIOMYOPATHY. Identifiers: Orphanet 289377, MedGen C2673677, MONDO:0012714, OMIM 611705. Disease mechanism: loss of function.

Submission:

Diagnostics Services (NGS), CSIR - Centre For Cellular And Molecular Biology
Classification: Likely pathogenic for Autosomal recessive limb-girdle muscular dystrophy type 2J; Early-onset myopathy with fatal cardiomyopathy. Last evaluated: 2026-03-16. Review status: criteria provided, single submitter. Criteria: ACMG Guidelines, 2015. Collection method: clinical testing. Allele origin: germline. Affected: yes. Observed: 1 variant allele, 1 heterozygote.
Comment: The c.64473T>A variant is not present in publicly available population databases like 1000 Genomes, EVS, gnomAD, Indian Exome Database or our internal database. This variant has been previously observed in individuals affected with TTN- related conditions [PMID: 26406308, PMID: 29093449] and reported to the Human Genome Mutation Database (HGMD ID: CM1517421). In-silico pathogenicity prediction programs like MutationTaster2, CADD, Varsome, Franklin, etc predicted this variant to be likely deleterious. This variant creates a premature translational stop codon at the 21491st amino acid position of the wild-type transcript that may either result in translation of a truncated protein or cause nonsense mediated decay of the mRNA.

Literature cited by the submitters: PubMed 26406308; PubMed 29093449.

NM_001267550.2(TTN):c.64473T>A (p.Tyr21491Ter)

Genes: TTN (titin; minus strand), TTN-AS1 (TTN antisense RNA 1; plus strand). Cytogenetic location: 2q31.2.
Variant type: single nucleotide variant.
Coding change: c.64473T>A on transcript NM_001267550.2 (MANE Select); coding-DNA position 64473, T replaced by A.
Protein change: p.Tyr21491Ter; replaces tyrosine 21491 with a stop codon.
Molecular consequence: nonsense.
Genome position (GRCh38, 1-based): chr2:178,585,271, A>T on the plus strand (T>A on the coding strand, the complement: TTN is on the minus strand). VCF-style: chr2-178585271-A-T. GRCh37 (hg19) VCF-style: chr2-179449998-A-T.
Other names: c.59550T>A, p.Tyr19850Ter (NM_001256850.1); c.37278T>A, p.Tyr12426Ter (NM_003319.4); c.56769T>A, p.Tyr18923Ter (NM_133378.4); c.37653T>A, p.Tyr12551Ter (NM_133432.3); c.37854T>A, p.Tyr12618Ter (NM_133437.4); short protein forms Y12426*, Y12551*, Y12618*, Y18923*, Y19850*, Y21491*.
Identifiers: ClinVar variation 4849711 (VCV004849711.1).